The following is an entry in ClinVar:

ClinVar aggregate classification (germline): Uncertain significance (1 of 4 stars; one submission).

Submission:

Women's Health and Genetics/Laboratory Corporation of America, LabCorp
Classification: Uncertain significance. Last evaluated: 2025-05-12. Review status: criteria provided, single submitter. Criteria: LabCorp Variant Classification Summary - May 2015. Collection method: clinical testing. Allele origin: germline.
Comment: Variant summary: KMT2D c.6194A>C (p.Lys2065Thr) results in a non-conservative amino acid change in the encoded protein sequence. Algorithms developed to predict the effect of missense changes on protein structure and function all suggest that this variant is likely to be disruptive. The variant was absent in 244766 control chromosomes. The available data on variant occurrences in the general population are insufficient to allow any conclusion about variant significance. To our knowledge, no occurrence of c.6194A>C in individuals affected with Kabuki Syndrome 1 and no experimental evidence demonstrating its impact on protein function have been reported. No submitters have cited clinical-significance assessments for this variant to ClinVar. Based on the evidence outlined above, the variant was classified as uncertain significance.

NM_003482.4(KMT2D):c.6194A>C (p.Lys2065Thr)

Gene: KMT2D (lysine methyltransferase 2D; minus strand). Cytogenetic location: 12q13.12.
Variant type: single nucleotide variant.
Coding change: c.6194A>C on transcript NM_003482.4 (MANE Select); coding-DNA position 6194, A replaced by C.
Protein change: p.Lys2065Thr; replaces lysine 2065 with threonine.
Molecular consequence: missense variant.
Genome position (GRCh38, 1-based): chr12:49,041,695, T>G on the plus strand (A>C on the coding strand, the complement: KMT2D is on the minus strand). VCF-style: chr12-49041695-T-G. GRCh37 (hg19) VCF-style: chr12-49435478-T-G.
Other names: short protein forms K2065T.
Identifiers: ClinVar variation 3902331 (VCV003902331.1).